The following is an entry in ClinVar:

ClinVar aggregate classification (germline): Pathogenic (1 of 4 stars; one submission).

Conditions:
Neurofibromatosis, type 1 (NF1). Also called: Peripheral type neurofibromatosis; Neurofibromatosis, type I; VON RECKLINGHAUSEN DISEASE; NEUROFIBROMATOSIS, TYPE I, SOMATIC. Identifiers: Orphanet 636, MedGen C0027831, MONDO:0018975, OMIM 162200. Disease mechanism: loss of function.

Allele frequency attached by ClinVar (database versions not stated): gnomAD exomes below 0.00001.
gnomAD v4.1: 1 of 1,613,766 alleles (0.000062%); highest among the groups gnomAD compares: Non-Finnish European, 0.000085%; no homozygotes.

Submission:

Labcorp Genetics (formerly Invitae), Labcorp
Classification: Pathogenic for Neurofibromatosis, type 1. Last evaluated: 2021-07-06. Review status: criteria provided, single submitter. Criteria: Invitae Variant Classification Sherloc (09022015). Collection method: clinical testing. Allele origin: germline.
Comment: For these reasons, this variant has been classified as Pathogenic. ClinVar contains an entry for this variant (Variation ID: 579731). This variant has not been reported in the literature in individuals affected with NF1-related conditions. This variant is not present in population databases (ExAC no frequency). This sequence change creates a premature translational stop signal (p.Glu540*) in the NF1 gene. It is expected to result in an absent or disrupted protein product. Loss-of-function variants in NF1 are known to be pathogenic (PMID: 10712197, 23913538).

Literature cited by the submitters: PubMed 10712197; PubMed 23913538.

NM_001042492.3(NF1):c.1618G>T (p.Glu540Ter)

Gene: NF1 (neurofibromin 1; plus strand). Cytogenetic location: 17q11.2.
Variant type: single nucleotide variant.
Coding change: c.1618G>T on transcript NM_001042492.3 (MANE Select); coding-DNA position 1618, G replaced by T.
Protein change: p.Glu540Ter; replaces glutamic acid 540 with a stop codon.
Molecular consequence: nonsense.
Genome position (GRCh38, 1-based): chr17:31,219,095, G>T. VCF-style: chr17-31219095-G-T. GRCh37 (hg19) VCF-style: chr17-29546113-G-T.
Other names: c.1618G>T, p.Glu540Ter (NM_000267.4, NM_001128147.3); short protein forms E540*.
Identifiers: ClinVar variation 579731 (VCV000579731.5), dbSNP rs1567843930, ClinGen allele CA399002055.